The following is an entry in ClinVar:

NM_033380.3(COL4A5):c.4004del (p.Pro1335fs)

Gene: COL4A5 (collagen type IV alpha 5 chain; plus strand). Cytogenetic location: Xq22.3.
Variant type: Deletion.
Coding change: c.4004del on transcript NM_033380.3 (MANE Select); coding-DNA position 4004, one base deleted (C; older notation c.4004delC).
Protein change: p.Pro1335fs; shifts the reading frame from proline 1335.
Molecular consequence: frameshift variant.
Genome position (GRCh38, 1-based): chrX:108,680,740, C deleted; the last of 2 consecutive C bases (chrX:108,680,739-108,680,740); deleting either gives the same sequence. VCF-style (leftmost placement, unchanged base first): chrX-108680738-TC-T. GRCh37 (hg19) VCF-style: chrX-107923968-TC-T.
Other names: c.3986del, p.Pro1329fs (NM_000495.5); short protein forms P1329fs, P1335fs.
Identifiers: ClinVar variation 4292993 (VCV004292993.1).

ClinVar aggregate classification (germline): Pathogenic (1 of 4 stars; one submission).

Conditions:
X-linked Alport syndrome (ATS1). Also called: COL4A5-Related Nephropathy; NEPHROPATHY AND DEAFNESS, X-LINKED. Identifiers: Orphanet 63, Orphanet 88917, MedGen C4746986, MONDO:0010520, OMIM 301050.

Submission:

3billion
Classification: Pathogenic for X-linked Alport syndrome. Last evaluated: 2025-03-12. Review status: criteria provided, single submitter. Criteria: ACMG Guidelines, 2015. Collection method: clinical testing. Allele origin: germline. Affected: yes.
Comment: The variant is not observed in the gnomAD v4.1.0 dataset. Predicted Consequence/Location: Frameshift: predicted to result in a loss or disruption of normal protein function through nonsense-mediated decay (NMD) or protein truncation. Multiple pathogenic variants are reported downstream of the variant. The variant has been reported to be associated with COL4A5-related disorder (PMID: 31328266). Therefore, this variant is classified as Pathogenic according to the recommendation of ACMG/AMP guideline.

Literature cited by the submitters: PubMed 31328266.